The following is an entry in ClinVar:

ClinVar aggregate classification (germline): Benign/Likely benign. Review status: criteria provided, multiple submitters, no conflicts (2 of 4 stars). 5 submissions from 5 submitters: Benign (2); Likely benign (3). Last evaluated 2026-01-18.

Conditions:
Macrothrombocytopenia and granulocyte inclusions with or without nephritis or sensorineural hearing loss (MATINS). Also called: BLEEDING DISORDER, PLATELET-TYPE, 6; DOHLE LEUKOCYTE INCLUSIONS WITH GIANT PLATELETS; MACROTHROMBOCYTOPENIA WITH LEUKOCYTE INCLUSIONS; SEBASTIAN PLATELET SYNDROME; MACROTHROMBOCYTOPENIA WITH DISPERSED LEUKOCYTIC INCLUSIONS; MACROTHROMBOCYTOPENIA, NEPHRITIS, AND DEAFNESS. Identifiers: Orphanet 182050, MedGen C5200934, MONDO:0015912, OMIM 155100.
Autosomal dominant nonsyndromic hearing loss 17. Also called: Deafness, autosomal dominant 17; Autosomal dominant nonsyndromic deafness 17. Identifiers: Orphanet 90635, MedGen C1863659, MONDO:0011350, OMIM 603622.

Allele frequency attached by ClinVar (database versions not stated): gnomAD exomes 0.00006 and 0.00013; 1000 Genomes Project 30x 0.00016; ExAC 0.00016; 1000 Genomes Project 0.00020; ESP Exome Variant Server 0.00031; gnomAD 0.00072 and 0.00078; TOPMed 0.00081.
gnomAD v4.1: 199 of 1,610,208 alleles (0.012%); highest among the groups gnomAD compares: African/African-American, 0.22%; no homozygotes.

Submissions (5):

Labcorp Genetics (formerly Invitae), Labcorp
Classification: Benign. Last evaluated: 2026-01-18. Review status: criteria provided, single submitter. Criteria: Invitae Variant Classification Sherloc (09022015). Collection method: clinical testing. Allele origin: germline.

ARUP Laboratories, Molecular Genetics and Genomics, ARUP Laboratories
Classification: Benign. Last evaluated: 2025-01-13. Review status: criteria provided, single submitter. Criteria: ARUP Molecular Germline Variant Investigation Process 2024. Collection method: clinical testing. Allele origin: germline.

Blueprint Genetics
Classification: Likely benign. Last evaluated: 2024-10-03. Review status: criteria provided, single submitter. Criteria: ACMG Guidelines, 2015. Collection method: clinical testing. Allele origin: germline.

Fulgent Genetics
Classification: Likely benign for Macrothrombocytopenia and granulocyte inclusions with or without nephritis or sensorineural hearing loss; Autosomal dominant nonsyndromic hearing loss 17. Last evaluated: 2021-12-09. Review status: criteria provided, single submitter. Criteria: ACMG Guidelines, 2015. Collection method: clinical testing. Allele origin: unknown.

Laboratory for Molecular Medicine, Mass General Brigham Personalized Medicine
Classification: Likely benign. Last evaluated: 2013-03-13. Review status: criteria provided, single submitter. Criteria: LMM Criteria. Collection method: clinical testing. Allele origin: germline. Observed: 2 variant alleles.
Comment: 1843+14C>A in Intron 15 of MYH9: This variant is not expected to have clinical s ignificance because it is not located within the conserved splice consensus sequ ence and has been identified in 0.1% (4/4406) of African American chromosomes fr om a broad population by the NHLBI Exome Sequencing Project.

NM_002473.6(MYH9):c.1843+14C>A

Gene: MYH9 (myosin heavy chain 9; minus strand). Cytogenetic location: 22q12.3.
Variant type: single nucleotide variant.
Coding change: c.1843+14C>A on transcript NM_002473.6 (MANE Select); 14 bases into the intron after coding-DNA position 1843, C replaced by A.
Molecular consequence: intron variant.
Genome position (GRCh38, 1-based): chr22:36,309,268, G>T on the plus strand (C>A on the coding strand, the complement: MYH9 is on the minus strand). VCF-style: chr22-36309268-G-T. GRCh37 (hg19) VCF-style: chr22-36705313-G-T.
Identifiers: ClinVar variation 164455 (VCV000164455.15), dbSNP rs372865551, ClinGen allele CA177134.